The following is an entry in ClinVar:

NC_000009.12:g.(?_132921343)_(132921993_?)del

Gene: TSC1 (TSC complex subunit 1; minus strand). Cytogenetic location: 9q34.13.
Variant type: Deletion.
Identifiers: ClinVar variation 832801 (VCV000832801.5).

ClinVar aggregate classification (germline): Pathogenic (1 of 4 stars; one submission).

Conditions:
Tuberous sclerosis 1 (TSC1). Identifiers: Orphanet 805, MedGen C1854465, MONDO:0008612, OMIM 191100.

Submission:

Labcorp Genetics (formerly Invitae), Labcorp
Classification: Pathogenic for Tuberous sclerosis 1. Last evaluated: 2019-09-09. Review status: criteria provided, single submitter. Criteria: Invitae Variant Classification Sherloc (09022015). Collection method: clinical testing. Allele origin: germline.
Comment: For these reasons, this variant has been classified as Pathogenic. Loss-of-function variants in TSC1 are known to be pathogenic (PMID: 10227394, 17304050). This variant has not been reported in the literature in individuals with TSC1-related conditions. This variant is an out-of-frame deletion of the genomic region encompassing exons 7-8 of the TSC1 gene. This is expected to create a premature translational stop signal and result in an absent or disrupted protein product.

Literature cited by the submitters: PubMed 10227394; PubMed 17304050.